The following is an entry in ClinVar:

NM_001267550.2(TTN):c.4921A>G (p.Thr1641Ala)

Genes: TTN (titin; minus strand), LOC101927055 (uncharacterized LOC101927055; plus strand). Cytogenetic location: 2q31.2.
Variant type: single nucleotide variant.
Coding change: c.4921A>G on transcript NM_001267550.2 (MANE Select); coding-DNA position 4921, A replaced by G.
Protein change: p.Thr1641Ala; replaces threonine 1641 with alanine.
Molecular consequence: missense variant. On other transcripts: non-coding transcript variant (1).
Genome position (GRCh38, 1-based): chr2:178,776,943, T>C on the plus strand (A>G on the coding strand, the complement: TTN is on the minus strand). VCF-style: chr2-178776943-T-C. GRCh37 (hg19) VCF-style: chr2-179641670-T-C.
Other names: c.4921A>G, p.Thr1641Ala (NM_001256850.1, NM_133378.4, NM_133379.5); c.4783A>G, p.Thr1595Ala (NM_003319.4, NM_133432.3, NM_133437.4); short protein forms T1595A, T1641A.
Identifiers: ClinVar variation 1743056 (VCV001743056.2), dbSNP rs112913745, ClinGen allele CA60978098.

ClinVar aggregate classification (germline): Uncertain significance (1 of 4 stars; one submission).

Conditions:
Cardiovascular phenotype. Identifiers: MedGen CN230736.

Submission:

Ambry Genetics
Classification: Uncertain significance for Cardiovascular phenotype. Last evaluated: 2020-01-30. Review status: criteria provided, single submitter. Criteria: Ambry Variant Classification Scheme 2023. Collection method: clinical testing. Allele origin: germline.
Comment: The p.T1595A variant (also known as c.4783A>G), located in coding exon 26 of the TTN gene, results from an A to G substitution at nucleotide position 4783. The threonine at codon 1595 is replaced by alanine, an amino acid with similar properties. This amino acid position is highly conserved in available vertebrate species. In addition, the in silico prediction for this alteration is inconclusive. Since supporting evidence is limited at this time, the clinical significance of this alteration remains unclear.